The following is an entry in ClinVar:

NM_000081.4(LYST):c.4805A>C (p.Gln1602Pro)

Gene: LYST (lysosomal trafficking regulator; minus strand). Cytogenetic location: 1q42.3.
Variant type: single nucleotide variant.
Coding change: c.4805A>C on transcript NM_000081.4 (MANE Select); coding-DNA position 4805, A replaced by C.
Protein change: p.Gln1602Pro; replaces glutamine 1602 with proline.
Molecular consequence: missense variant.
Genome position (GRCh38, 1-based): chr1:235,787,257, T>G on the plus strand (A>C on the coding strand, the complement: LYST is on the minus strand). VCF-style: chr1-235787257-T-G. GRCh37 (hg19) VCF-style: chr1-235950557-T-G.
Other names: c.4805A>C, p.Gln1602Pro (NM_001301365.1); short protein forms Q1602P.
Identifiers: ClinVar variation 1495136 (VCV001495136.3), dbSNP rs764577431, ClinGen allele CA1466755.
Genomic context (GRCh38, chr1:235,787,257, plus strand): 5'-TACCTCTGTCCAGAGACCCATATGGAGATTTTCCCATGAATCCTCCTTTTCCCTTGGGGC[T>G]GCTGTAAGTAGGTGAGTACTAAATGTTGCCATTTGCTTGGGAGGAAAATATTCTCCTGTG-3'
Protein context (NP_000072.2, residues 1592-1612): WQHLVLTYLQ[Gln1602Pro]PQGKRRIHGK

ClinVar aggregate classification (germline): Uncertain significance (1 of 4 stars; one submission).

Conditions:
Chédiak-Higashi syndrome (CHS). Also called: Chediak-Higashi Syndrome. Identifiers: Orphanet 167, MedGen C0007965, MONDO:0008963, OMIM 214500.

Allele frequency attached by ClinVar (database versions not stated): ExAC 0.00001; gnomAD 0.00001; gnomAD exomes 0.00001.
gnomAD v4.1: 6 of 1,613,714 alleles (0.00037%); highest among the groups gnomAD compares: Non-Finnish European, 0.00051%; no homozygotes.

Submission:

Labcorp Genetics (formerly Invitae), Labcorp
Classification: Uncertain significance for Chédiak-Higashi syndrome. Last evaluated: 2021-10-08. Review status: criteria provided, single submitter. Criteria: Invitae Variant Classification Sherloc (09022015). Collection method: clinical testing. Allele origin: germline.
Comment: This sequence change replaces glutamine with proline at codon 1602 of the LYST protein (p.Gln1602Pro). The glutamine residue is moderately conserved and there is a moderate physicochemical difference between glutamine and proline. This variant is present in population databases (rs764577431, ExAC 0.001%). This variant has not been reported in the literature in individuals affected with LYST-related conditions. Algorithms developed to predict the effect of missense changes on protein structure and function (SIFT, PolyPhen-2, Align-GVGD) all suggest that this variant is likely to be tolerated. In summary, the available evidence is currently insufficient to determine the role of this variant in disease. Therefore, it has been classified as a Variant of Uncertain Significance.